The following is an entry in ClinVar:

ClinVar aggregate classification (germline): Likely benign (1 of 4 stars; one submission).

gnomAD v4.1: 100 of 1,558,048 alleles (0.0064%); highest among the groups gnomAD compares: Non-Finnish European, 0.008%; no homozygotes.

Submission:

CeGaT Center for Human Genetics Tuebingen
Classification: Likely benign. Last evaluated: 2024-01-01. Review status: criteria provided, single submitter. Criteria: CeGaT Center For Human Genetics Tuebingen Variant Classification Criteria Version 2. Collection method: clinical testing. Allele origin: germline. Affected: yes. Observed: 1 variant allele.
Comment: MIEF2: BP4, BP7

NM_139162.4(MIEF2):c.735C>T (p.Val245=)

Gene: MIEF2 (mitochondrial elongation factor 2; plus strand). Cytogenetic location: 17p11.2.
Variant type: single nucleotide variant.
Coding change: c.735C>T on transcript NM_139162.4 (MANE Select); coding-DNA position 735, C replaced by T.
Protein change: p.Val245=; no amino-acid change (valine 245 retained).
Molecular consequence: synonymous variant. On other transcripts: 3 prime UTR variant (1).
Genome position (GRCh38, 1-based): chr17:18,264,134, C>T. VCF-style: chr17-18264134-C-T. GRCh37 (hg19) VCF-style: chr17-18167448-C-T.
Other names: c.*43C>T (NM_001144900.3); c.768C>T, p.Val256= (NM_148886.2).
Identifiers: ClinVar variation 3025601 (VCV003025601.22), dbSNP rs760972949, ClinGen allele CA8429281.